The following is an entry in ClinVar:

ClinVar aggregate classification (germline): Pathogenic (1 of 4 stars; one submission).

Conditions:
Long QT syndrome (LQTS). Identifiers: MedGen C0023976, MeSH D008133, MONDO:0002442. Disease mechanism: loss of function. Inheritance: Various modes of inheritance.

Submission:

Labcorp Genetics (formerly Invitae), Labcorp
Classification: Pathogenic for Long QT syndrome. Last evaluated: 2023-09-08. Review status: criteria provided, single submitter. Criteria: Invitae Variant Classification Sherloc (09022015). Collection method: clinical testing. Allele origin: germline.
Comment: This sequence change creates a premature translational stop signal (p.Asn220Thrfs*140) in the KCNH2 gene. It is expected to result in an absent or disrupted protein product. Loss-of-function variants in KCNH2 are known to be pathogenic (PMID: 10973849, 19862833). This variant is not present in population databases (gnomAD no frequency). This variant has not been reported in the literature in individuals affected with KCNH2-related conditions. For these reasons, this variant has been classified as Pathogenic.

Literature cited by the submitters: PubMed 10973849; PubMed 19862833.

NM_000238.4(KCNH2):c.659del (p.Asn220fs)

Gene: KCNH2 (potassium voltage-gated channel subfamily H member 2; minus strand). Cytogenetic location: 7q36.1.
Variant type: Deletion.
Coding change: c.659del on transcript NM_000238.4 (MANE Select); coding-DNA position 659, one base deleted (A; older notation c.659delA).
Protein change: p.Asn220fs; shifts the reading frame from asparagine 220.
Molecular consequence: frameshift variant. On other transcripts: non-coding transcript variant (1).
Genome position (GRCh38, 1-based): chr7:150,958,316, T deleted on the plus strand (A on the coding strand, the reverse complement: KCNH2 is on the minus strand); the first of 2 consecutive T bases (chr7:150,958,316-150,958,317); deleting either gives the same sequence. VCF-style (leftmost placement, unchanged base first): chr7-150958315-GT-G. GRCh37 (hg19) VCF-style: chr7-150655403-GT-G.
Other names: c.371del, p.Asn124fs (NM_001406753.1, NM_001406756.1); c.482del, p.Asn161fs (NM_001406755.1); c.359del, p.Asn120fs (NM_001406757.1); c.659del, p.Asn220fs (NM_172056.3); short protein forms N161fs, N124fs, N220fs, N120fs.
Identifiers: ClinVar variation 2753718 (VCV002753718.3), dbSNP rs2486092417, ClinGen allele CA2697549698.
Genomic context (GRCh38, chr7:150,958,315, plus strand): 5'-CGGAGAGCCGGGACCCACCAGCGCACGCCGCTCCTCCGCGGGCCCGAGCCCTGCCACGTG[GT>G]TGTCCATGGCTGTCACTTCGTCCAGGGCCAGCGACTCGCTGCTGGGTGCCGCGGGCGTCA-3'